The following is an entry in ClinVar:

NM_001365536.1(SCN9A):c.1914G>A (p.Met638Ile)

Genes: SCN9A (sodium voltage-gated channel alpha subunit 9; minus strand), SCN1A-AS1 (SCN1A and SCN9A antisense RNA 1; plus strand). Cytogenetic location: 2q24.3.
Variant type: single nucleotide variant.
Coding change: c.1914G>A on transcript NM_001365536.1 (MANE Select); coding-DNA position 1914, G replaced by A.
Protein change: p.Met638Ile; replaces methionine 638 with isoleucine.
Molecular consequence: missense variant.
Genome position (GRCh38, 1-based): chr2:166,284,513, C>T on the plus strand (G>A on the coding strand, the complement: SCN9A is on the minus strand). VCF-style: chr2-166284513-C-T. GRCh37 (hg19) VCF-style: chr2-167141023-C-T.
Other names: c.1914G>A, p.Met638Ile (NM_002977.4); short protein forms M638I.
Identifiers: ClinVar variation 849663 (VCV000849663.10), dbSNP rs1680907702, ClinGen allele CA349082730.

ClinVar aggregate classification (germline): Uncertain significance (1 of 4 stars; one submission).

Conditions:
Neuropathy, hereditary sensory and autonomic, type 2A (HSAN2A). Also called: ACROOSTEOLYSIS, GIACCAI TYPE; ACROOSTEOLYSIS, NEUROGENIC; HSAN IIA; NEUROPATHY, HEREDITARY SENSORY, TYPE IIA; NEUROPATHY, PROGRESSIVE SENSORY, OF CHILDREN; WNK1-Related HSAN2 (HSAN2A). Identifiers: Orphanet 970, MedGen C2752089, MONDO:0024309, OMIM 201300.
Generalized epilepsy with febrile seizures plus, type 7 (GEFSP7). Also called: GEFS+, TYPE 7. Identifiers: Orphanet 36387, MedGen C2751778, MONDO:0013470, OMIM 613863.

Allele frequency attached by ClinVar (database versions not stated): gnomAD 0.00003.
gnomAD v4.1: 4 of 1,613,992 alleles (0.00025%); highest among the groups gnomAD compares: Admixed American, 0.0067%; no homozygotes.

Submission:

Labcorp Genetics (formerly Invitae), Labcorp
Classification: Uncertain significance for Neuropathy, hereditary sensory and autonomic, type 2A; Generalized epilepsy with febrile seizures plus, type 7. Last evaluated: 2019-12-24. Review status: criteria provided, single submitter. Criteria: Invitae Variant Classification Sherloc (09022015). Collection method: clinical testing. Allele origin: germline.
Comment: In summary, the available evidence is currently insufficient to determine the role of this variant in disease. Therefore, it has been classified as a Variant of Uncertain Significance. Algorithms developed to predict the effect of missense changes on protein structure and function (SIFT, PolyPhen-2, Align-GVGD) all suggest that this variant is likely to be tolerated, but these predictions have not been confirmed by published functional studies and their clinical significance is uncertain. This variant has not been reported in the literature in individuals with SCN9A-related conditions. This variant is not present in population databases (ExAC no frequency). This sequence change replaces methionine with isoleucine at codon 638 of the SCN9A protein (p.Met638Ile). The methionine residue is moderately conserved and there is a small physicochemical difference between methionine and isoleucine.